The following is an entry in ClinVar:

NM_001377137.1(GBF1):c.684G>T (p.Lys228Asn)

Gene: GBF1 (golgi brefeldin A resistant guanine nucleotide exchange factor 1; plus strand). Cytogenetic location: 10q24.32.
Variant type: single nucleotide variant.
Coding change: c.684G>T on transcript NM_001377137.1 (MANE Select); coding-DNA position 684, G replaced by T.
Protein change: p.Lys228Asn; replaces lysine 228 with asparagine.
Molecular consequence: missense variant. On other transcripts: non-coding transcript variant (5).
Genome position (GRCh38, 1-based): chr10:102,358,083, G>T. VCF-style: chr10-102358083-G-T. GRCh37 (hg19) VCF-style: chr10-104117840-G-T.
Other names: p.Lys228Asn; c.684G>T, p.Lys228Asn (NM_001199378.2, NM_001199379.2, NM_001377138.1 and 13 more transcripts); c.783G>T, p.Lys261Asn (NM_001391922.1, NM_001411027.1); c.759G>T, p.Lys253Asn (NM_001411003.1); c.684G>T (NM_004193.2); short protein forms K228N, K253N, K261N.
Identifiers: ClinVar variation 2683123 (VCV002683123.2), dbSNP rs139353076, ClinGen allele CA5663079.

ClinVar aggregate classification (germline): Uncertain significance. Review status: criteria provided, multiple submitters, no conflicts (2 of 4 stars). 2 submissions from 2 submitters: Uncertain significance (2). Last evaluated 2024-01-02.

Allele frequency attached by ClinVar (database versions not stated): ExAC 0.00001; gnomAD 0.00002; TOPMed 0.00002; ESP Exome Variant Server 0.00008.
gnomAD v4.1: 19 of 1,609,686 alleles (0.0012%); highest among the groups gnomAD compares: Non-Finnish European, 0.0016%; no homozygotes.

Submissions (2):

Ambry Genetics
Classification: Uncertain significance. Last evaluated: 2024-01-02. Review status: criteria provided, single submitter. Criteria: Ambry Variant Classification Scheme 2023. Collection method: clinical testing. Allele origin: germline.

Mayo Clinic Laboratories, Mayo Clinic
Classification: Uncertain significance. Last evaluated: 2023-05-02. Review status: criteria provided, single submitter. Criteria: ACMG Guidelines, 2015. Collection method: clinical testing. Allele origin: germline. Observed: 1 variant allele.
Comment: BP4